The following is an entry in ClinVar:

ClinVar aggregate classification (germline): Uncertain significance (1 of 4 stars; one submission).

Submission:

GeneDx
Classification: Uncertain significance. Last evaluated: 2022-07-31. Review status: criteria provided, single submitter. Criteria: GeneDx Variant Classification Process June 2021. Collection method: clinical testing. Allele origin: germline. Affected: yes.
Comment: Not observed at significant frequency in large population cohorts (gnomAD); In silico analysis supports that this missense variant has a deleterious effect on protein structure/function; Has not been previously published as pathogenic or benign to our knowledge

NM_004208.4(AIFM1):c.1343G>A (p.Gly448Glu)

Genes: AIFM1 (apoptosis inducing factor mitochondria associated 1; minus strand), RAB33A (RAB33A, member RAS oncogene family; plus strand). Cytogenetic location: Xq26.1.
Variant type: single nucleotide variant.
Coding change: c.1343G>A on transcript NM_004208.4 (MANE Select); coding-DNA position 1343, G replaced by A.
Protein change: p.Gly448Glu; replaces glycine 448 with glutamic acid.
Molecular consequence: missense variant. On other transcripts: 3 prime UTR variant (1), non-coding transcript variant (1).
Genome position (GRCh38, 1-based): chrX:130,133,418, C>T on the plus strand (G>A on the coding strand, the complement: AIFM1 is on the minus strand). VCF-style: chrX-130133418-C-T. GRCh37 (hg19) VCF-style: chrX-129267393-C-T.
Other names: c.326G>A, p.Gly109Glu (NM_001130846.4); c.*571G>A (NM_001130847.4); c.1331G>A, p.Gly444Glu (NM_145812.3); short protein forms G109E, G444E, G448E.
Identifiers: ClinVar variation 2428913 (VCV002428913.2), dbSNP rs2523110396, ClinGen allele CA414573736.